The following is an entry in ClinVar:

ClinVar aggregate classification (germline): Pathogenic. Review status: criteria provided, multiple submitters, no conflicts (2 of 4 stars). 5 submissions from 5 submitters: Pathogenic (5). Last evaluated 2023-09-30.

Conditions:
Hereditary cancer-predisposing syndrome. Also called: Tumor predisposition; Hereditary Cancer Syndrome; Neoplastic Syndromes, Hereditary; Hereditary neoplastic syndrome. Identifiers: Orphanet 140162, MedGen C0027672, MeSH D009386, MONDO:0015356.
Birt-Hogg-Dube syndrome. Also called: Birt Hogg Dubé syndrome. Identifiers: Orphanet 122, MedGen C0346010, MONDO:0800444.

Submissions (5):

Labcorp Genetics (formerly Invitae), Labcorp
Classification: Pathogenic for Birt-Hogg-Dube syndrome. Last evaluated: 2023-09-30. Review status: criteria provided, single submitter. Criteria: Invitae Variant Classification Sherloc (09022015). Collection method: clinical testing. Allele origin: germline.
Comment: For these reasons, this variant has been classified as Pathogenic. ClinVar contains an entry for this variant (Variation ID: 253240). This variant has not been reported in the literature in individuals affected with FLCN-related conditions. This variant is not present in population databases (gnomAD no frequency). This sequence change creates a premature translational stop signal (p.Leu292*) in the FLCN gene. It is expected to result in an absent or disrupted protein product. Loss-of-function variants in FLCN are known to be pathogenic (PMID: 15852235).

Myriad Genetics, Inc.
Classification: Pathogenic for Birt-Hogg-Dube syndrome 1. Last evaluated: 2023-07-21. Review status: criteria provided, single submitter. Criteria: Myriad Autosomal Dominant, Autosomal Recessive and X-Linked Classification Criteria (2023). Collection method: clinical testing. Allele origin: unknown.
Comment: This variant is considered pathogenic. This variant creates a termination codon and is predicted to result in premature protein truncation.

Ambry Genetics
Classification: Pathogenic for Hereditary cancer-predisposing syndrome. Last evaluated: 2023-03-13. Review status: criteria provided, single submitter. Criteria: Ambry Variant Classification Scheme 2023. Collection method: clinical testing. Allele origin: germline.
Comment: The p.L292* pathogenic mutation (also known as c.875T>G), located in coding exon 6 of the FLCN gene, results from a T to G substitution at nucleotide position 875. This changes the amino acid from a leucine to a stop codon within coding exon 6. This alteration is expected to result in loss of function by premature protein truncation or nonsense-mediated mRNA decay. As such, this alteration is interpreted as a disease-causing mutation.

GeneDx
Classification: Pathogenic. Last evaluated: 2018-11-07. Review status: criteria provided, single submitter. Criteria: GeneDx Variant Classification (06012015). Collection method: clinical testing. Allele origin: germline. Affected: yes.
Comment: This variant is denoted FLCN c.875T>G at the cDNA level and p.Leu292Ter (L292X) at the protein level. The substitution creates a nonsense variant, which changes a Leucine to a premature stop codon (TTA>TGA), and is predicted to cause loss of normal protein function through either protein truncation or nonsense-mediated mRNA decay. Although this variant has not, to our knowledge, been reported in the literature, it is considered pathogenic.

Genomic Diagnostic Laboratory, Division of Genomic Diagnostics, Children's Hospital of Philadelphia
Classification: Pathogenic for Birt-Hogg-Dube Syndrome. Last evaluated: 2016-07-18. Review status: criteria provided, single submitter. Criteria: DGD Variant Analysis Guidelines. Collection method: clinical testing. Allele origin: germline. Affected: yes. Observed: 1 variant allele.
Comment: Clinical Testing

Literature cited by the submitters: PubMed 15852235 (cited by Labcorp Genetics (formerly Invitae), Labcorp).

NM_144997.7(FLCN):c.875T>G (p.Leu292Ter)

Gene: FLCN (folliculin; minus strand). Cytogenetic location: 17p11.2.
Variant type: single nucleotide variant.
Coding change: c.875T>G on transcript NM_144997.7 (MANE Select); coding-DNA position 875, T replaced by G.
Protein change: p.Leu292Ter; replaces leucine 292 with a stop codon.
Molecular consequence: nonsense.
Genome position (GRCh38, 1-based): chr17:17,219,206, A>C on the plus strand (T>G on the coding strand, the complement: FLCN is on the minus strand). VCF-style: chr17-17219206-A-C. GRCh37 (hg19) VCF-style: chr17-17122520-A-C.
Other names: c.875T>G (LRG_325t1); c.929T>G, p.Leu310Ter (NM_001353229.2); c.875T>G, p.Leu292Ter (NM_001353230.2, NM_001353231.2); short protein forms L292*, L310*.
Identifiers: ClinVar variation 253240 (VCV000253240.15), dbSNP rs879255668, ClinGen allele CA10586263.